The following is an entry in ClinVar:

NM_000179.3(MSH6):c.120C>T (p.Ala40=)

Gene: MSH6 (mutS homolog 6; plus strand). Cytogenetic location: 2p16.3.
Variant type: single nucleotide variant.
Coding change: c.120C>T on transcript NM_000179.3 (MANE Select); coding-DNA position 120, C replaced by T.
Protein change: p.Ala40=; no amino-acid change (alanine 40 retained).
Molecular consequence: synonymous variant. On other transcripts: 5 prime UTR variant (1).
Genome position (GRCh38, 1-based): chr2:47,783,353, C>T. VCF-style: chr2-47783353-C-T. GRCh37 (hg19) VCF-style: chr2-48010492-C-T.
Other names: c.120C>T, p.Ala40= (NM_001281492.2); c.-617C>T (NM_001281493.2).
Identifiers: ClinVar variation 483763 (VCV000483763.12), dbSNP rs777101467, ClinGen allele CA346734867.
Genomic context (GRCh38, chr2:47,783,353, plus strand): 5'-CAACAAGGCCTCGGCCAGGGCCTCACGCGAAGGCGGCCGTGCCGCCGCTGCCCCCGGGGC[C>T]TCTCCTTCCCCAGGCGGGGATGCGGCCTGGAGCGAGGCTGGGCCTGGGCCCAGGCCCTTG-3'
Protein context (NP_000170.1, residues 30-50): EGGRAAAAPG[Ala40=]SPSPGGDAAW

ClinVar aggregate classification (germline): Benign/Likely benign. Review status: criteria provided, multiple submitters, no conflicts (2 of 4 stars). 4 submissions from 4 submitters: Benign (1); Likely benign (3). Last evaluated 2024-12-17.

Conditions:
Lynch syndrome. Identifiers: Orphanet 144, MedGen C4552100, MONDO:0005835. Disease mechanism: loss of function.
Lynch syndrome 5 (LYNCH5). Also called: Colorectal cancer, hereditary nonpolyposis, type 5; Hereditary non-polyposis colorectal cancer, type 5. Identifiers: Orphanet 144, MedGen C1833477, MONDO:0013710, OMIM 614350. Disease mechanism: loss of function.
Hereditary nonpolyposis colorectal neoplasms. Identifiers: MedGen C0009405, MeSH D003123.
Hereditary cancer-predisposing syndrome. Also called: Neoplastic Syndromes, Hereditary; Tumor predisposition; Hereditary Cancer Syndrome; Hereditary neoplastic syndrome. Identifiers: Orphanet 140162, MedGen C0027672, MeSH D009386, MONDO:0015356.

gnomAD v4.1: 2 of 1,607,914 alleles (0.00012%); highest among the groups gnomAD compares: Non-Finnish European, 0.00017%; no homozygotes.

Submissions (4):

Myriad Genetics, Inc.
Classification: Benign for Lynch syndrome 5. Last evaluated: 2024-12-17. Review status: criteria provided, single submitter. Criteria: Myriad Autosomal Dominant, Autosomal Recessive and X-Linked Classification Criteria (2023). Collection method: clinical testing. Allele origin: unknown.
Comment: This variant is considered benign. This variant is a silent/synonymous amino acid change and it is not expected to impact splicing.

Labcorp Genetics (formerly Invitae), Labcorp
Classification: Likely benign for Hereditary nonpolyposis colorectal neoplasms. Last evaluated: 2023-09-11. Review status: criteria provided, single submitter. Criteria: Invitae Variant Classification Sherloc (09022015). Collection method: clinical testing. Allele origin: germline.

Department of Pathology and Laboratory Medicine, Sinai Health System
Classification: Likely benign for Lynch syndrome. Last evaluated: 2021-03-16. Review status: criteria provided, single submitter. Criteria: ACMG Guidelines, 2015. Collection method: clinical testing. Allele origin: germline. Affected: yes.

Ambry Genetics
Classification: Likely benign for Hereditary cancer-predisposing syndrome. Last evaluated: 2016-11-23. Review status: criteria provided, single submitter. Criteria: Ambry Variant Classification Scheme 2023. Collection method: clinical testing. Allele origin: germline.